The following is an entry in ClinVar:

ClinVar aggregate classification (germline): Uncertain significance (1 of 4 stars; one submission).

Conditions:
Methylmalonic acidemia with homocystinuria, type cblX (MAHCX). Also called: INTELLECTUAL DEVELOPMENTAL DISORDER, X-LINKED 3. Identifiers: Orphanet 369962, MedGen C0796208, MONDO:0010657, OMIM 309541.

gnomAD v4.1: 1 of 1,210,805 alleles (0.000083%); no homozygotes.

Submission:

Labcorp Genetics (formerly Invitae), Labcorp
Classification: Uncertain significance for Methylmalonic acidemia with homocystinuria, type cblX. Last evaluated: 2023-01-13. Review status: criteria provided, single submitter. Criteria: Invitae Variant Classification Sherloc (09022015). Collection method: clinical testing. Allele origin: germline.
Comment: This variant is not present in population databases (gnomAD no frequency). This sequence change replaces proline, which is neutral and non-polar, with leucine, which is neutral and non-polar, at codon 839 of the HCFC1 protein (p.Pro839Leu). This variant has not been reported in the literature in individuals affected with HCFC1-related conditions. Algorithms developed to predict the effect of missense changes on protein structure and function are either unavailable or do not agree on the potential impact of this missense change (SIFT: "Deleterious"; PolyPhen-2: "Benign"; Align-GVGD: "Class C0"). In summary, the available evidence is currently insufficient to determine the role of this variant in disease. Therefore, it has been classified as a Variant of Uncertain Significance.

NM_005334.3(HCFC1):c.2516C>T (p.Pro839Leu)

Gene: HCFC1 (host cell factor C1; minus strand). Cytogenetic location: Xq28.
Variant type: single nucleotide variant.
Coding change: c.2516C>T on transcript NM_005334.3 (MANE Select); coding-DNA position 2516, C replaced by T.
Protein change: p.Pro839Leu; replaces proline 839 with leucine.
Molecular consequence: missense variant.
Genome position (GRCh38, 1-based): chrX:153,956,744, G>A on the plus strand (C>T on the coding strand, the complement: HCFC1 is on the minus strand). VCF-style: chrX-153956744-G-A. GRCh37 (hg19) VCF-style: chrX-153222195-G-A.
Other names: c.2516C>T, p.Pro839Leu (NM_001410705.1); short protein forms P839L.
Identifiers: ClinVar variation 2827449 (VCV002827449.3), dbSNP rs2521599484, ClinGen allele CA415129090.